The following is an entry in ClinVar:

ClinVar aggregate classification (germline): Pathogenic (1 of 4 stars; one submission).

Conditions:
Ellis-van Creveld syndrome (EVC). Also called: MESOECTODERMAL DYSPLASIA; Chondroectodermal dysplasia. Identifiers: Orphanet 289, MedGen C0013903, MONDO:0009162, OMIM 225500.

Submission:

Myriad Genetics, Inc.
Classification: Pathogenic for Ellis-van Creveld syndrome. Last evaluated: 2023-08-17. Review status: criteria provided, single submitter. Criteria: Myriad Autosomal Dominant, Autosomal Recessive and X-Linked Classification Criteria (2023). Collection method: clinical testing. Allele origin: unknown.
Comment: NM_153717.2(EVC):c.30_31ins16(D11Mfs*67) is expected to be pathogenic in the context of EVC-related Ellis-van Creveld syndrome. This variant is predicted to lead to an abnormal or absent protein product due to the creation of a premature termination codon in EVC, a gene where loss-of-function variants are known to be pathogenic. Please note: this variant was assessed in the context of healthy population screening.

NM_153717.3(EVC):c.30_31insATGTGTATAAGAGACA (p.Asp11fs)

Gene: EVC (EvC ciliary complex subunit 1; plus strand). Cytogenetic location: 4p16.2.
Variant type: Insertion.
Coding change: c.30_31insATGTGTATAAGAGACA on transcript NM_153717.3 (MANE Select); coding-DNA positions 30 to 31, ATGTGTATAAGAGACA inserted.
Protein change: p.Asp11fs; shifts the reading frame from aspartic acid 11.
Molecular consequence: frameshift variant.
Genome position: GRCh38 VCF-style: chr4-5711410-C-CATGTGTATAAGAGACA. GRCh37 (hg19) VCF-style: chr4-5713137-C-CATGTGTATAAGAGACA.
Other names: c.30_31insATGTGTATAAGAGACA, p.Asp11fs (NM_001306090.2, NM_001306092.2); short protein forms D11fs.
Identifiers: ClinVar variation 5011380 (VCV005011380.1).
Genomic context (GRCh38, chr4:5,711,410, plus strand): 5'-ATGCGGCGGGGCGGCAGCCTGAGCGCCCCGGATGGCCCGCGGCGGGGCGGCCTGCAAGAG[C>CATGTGTATAAGAGACA]GACGCGCGGCTGCTGCTGGGGCGGGACGCGCTGCGGCCGGCGCCCGCCCTGCTGGCCCCC-3'